The following is an entry in ClinVar:

NM_001374259.2(IL12RB2):c.1140C>A (p.His380Gln)

Gene: IL12RB2 (interleukin 12 receptor subunit beta 2; plus strand). Cytogenetic location: 1p31.3.
Variant type: single nucleotide variant.
Coding change: c.1140C>A on transcript NM_001374259.2 (MANE Select); coding-DNA position 1140, C replaced by A.
Protein change: p.His380Gln; replaces histidine 380 with glutamine.
Molecular consequence: missense variant. On other transcripts: non-coding transcript variant (2).
Genome position (GRCh38, 1-based): chr1:67,350,971, C>A. VCF-style: chr1-67350971-C-A. GRCh37 (hg19) VCF-style: chr1-67816654-C-A.
Other names: c.1140C>A, p.His380Gln (NM_001258214.1, NM_001258215.1, NM_001258216.1 and 2 more transcripts); short protein forms H380Q.
Identifiers: ClinVar variation 1404754 (VCV001404754.8), dbSNP rs1557435054, ClinGen allele CA340736705.
Genomic context (GRCh38, chr1:67,350,971, plus strand): 5'-TCAGGTGACCTTGCAGGAGCTGACAGGAGGGAAAGCCATGACACAGAACATCACAGGACA[C>A]ACCTCCTGGACCACAGTCATTCCTAGAACCGGAAATTGGGCTGTGGCTGTGTCTGCAGCA-3'
Protein context (NP_001361188.1, residues 370-390): GKAMTQNITG[His380Gln]TSWTTVIPRT

ClinVar aggregate classification (germline): Uncertain significance (1 of 4 stars; one submission).

gnomAD v4.1: 1 of 1,614,184 alleles (0.000062%); no homozygotes.

Submission:

Labcorp Genetics (formerly Invitae), Labcorp
Classification: Uncertain significance. Last evaluated: 2022-08-23. Review status: criteria provided, single submitter. Criteria: Invitae Variant Classification Sherloc (09022015). Collection method: clinical testing. Allele origin: germline.
Comment: This sequence change replaces histidine, which is basic and polar, with glutamine, which is neutral and polar, at codon 380 of the IL12RB2 protein (p.His380Gln). This variant is not present in population databases (gnomAD no frequency). This variant has not been reported in the literature in individuals affected with IL12RB2-related conditions. ClinVar contains an entry for this variant (Variation ID: 1404754). Algorithms developed to predict the effect of missense changes on protein structure and function (SIFT, PolyPhen-2, Align-GVGD) all suggest that this variant is likely to be tolerated. In summary, the available evidence is currently insufficient to determine the role of this variant in disease. Therefore, it has been classified as a Variant of Uncertain Significance.